The following is an entry in ClinVar:

NM_004380.3(CREBBP):c.766C>T (p.Leu256=)

Gene: CREBBP (CREB binding lysine acetyltransferase; minus strand). Cytogenetic location: 16p13.3.
Variant type: single nucleotide variant.
Coding change: c.766C>T on transcript NM_004380.3 (MANE Select); coding-DNA position 766, C replaced by T.
Protein change: p.Leu256=; no amino-acid change (leucine 256 retained).
Molecular consequence: synonymous variant.
Genome position (GRCh38, 1-based): chr16:3,850,329, G>A on the plus strand (C>T on the coding strand, the complement: CREBBP is on the minus strand). VCF-style: chr16-3850329-G-A. GRCh37 (hg19) VCF-style: chr16-3900330-G-A.
Other names: c.766C>T, p.Leu256= (NM_001079846.1).
Identifiers: ClinVar variation 3029204 (VCV003029204.3), dbSNP rs755189683, ClinGen allele CA493276445.
Genomic context (GRCh38, chr16:3,850,329, plus strand): 5'-AGTATTGAAAGTGCTTCAGTTCACTTACCTTGGCCATGCCTCCTGCCTGTGCGGTGTTCA[G>A]TCCCGCGTGACCAGTCATTTGCGGGGAAACCTGCGTTAGGGTCTCAGCCAGCACGCTGCT-3'
Protein context (NP_004371.2, residues 246-266): VSPQMTGHAG[Leu256=]NTAQAGGMAK

ClinVar aggregate classification (germline): Likely benign. Review status: criteria provided, single submitter (1 of 4 stars). 2 submissions from 2 submitters: Likely benign (1). 1 of the submissions does not count toward it. Last evaluated 2025-07-13.

Conditions:
Rubinstein-Taybi syndrome (RSTS). Identifiers: Orphanet 783, MedGen C0035934, MONDO:0019188.
CREBBP-related disorder. Also called: CREBBP-related condition; CREBBP-related disorders.

Allele frequency attached by ClinVar (database versions not stated): gnomAD exomes below 0.00001.
gnomAD v4.1: 5 of 1,614,124 alleles (0.00031%); highest among the groups gnomAD compares: Admixed American, 0.0017%; no homozygotes.

Submissions (2):

Labcorp Genetics (formerly Invitae), Labcorp
Classification: Likely benign for Rubinstein-Taybi syndrome. Last evaluated: 2025-07-13. Review status: criteria provided, single submitter. Criteria: Invitae Variant Classification Sherloc (09022015). Collection method: clinical testing. Allele origin: germline.

PreventionGenetics, part of Exact Sciences
Classification: Likely benign for CREBBP-related condition. Last evaluated: 2021-09-16. Review status: no assertion criteria provided. Collection method: clinical testing. Allele origin: germline. Not counted in ClinVar's aggregate classification.
Comment: This variant is classified as likely benign based on ACMG/AMP sequence variant interpretation guidelines (Richards et al. 2015 PMID: 25741868, with internal and published modifications).